The following is an entry in ClinVar:

NM_022124.6(CDH23):c.8083G>A (p.Asp2695Asn)

Gene: CDH23 (cadherin related 23; plus strand). Cytogenetic location: 10q22.1.
Variant type: single nucleotide variant.
Coding change: c.8083G>A on transcript NM_022124.6 (MANE Select); coding-DNA position 8083, G replaced by A.
Protein change: p.Asp2695Asn; replaces aspartic acid 2695 with asparagine.
Molecular consequence: missense variant.
Genome position (GRCh38, 1-based): chr10:71,806,186, G>A. VCF-style: chr10-71806186-G-A. GRCh37 (hg19) VCF-style: chr10-73565943-G-A.
Other names: c.1363G>A, p.Asp455Asn (NM_001171933.1, NM_001171934.1); short protein forms D2695N, D455N.
Identifiers: ClinVar variation 422345 (VCV000422345.21), dbSNP rs369501114, ClinGen allele CA5546544.

ClinVar aggregate classification (germline): Uncertain significance. Review status: reviewed by expert panel (3 of 4 stars). 6 submissions from 6 submitters: Uncertain significance (1). 5 of the submissions do not count toward it. Last evaluated 2023-06-26.

Conditions:
Nonsyndromic genetic hearing loss. Also called: Nonsyndromic hearing loss and deafness; Non-syndromic genetic deafness; Nonsyndromic genetic deafness. Identifiers: Orphanet 87884, MedGen C5680182, MONDO:0019497.
Usher syndrome type 1D (USH1D). Also called: USHER SYNDROME, TYPE ID. Identifiers: Orphanet 231169, Orphanet 886, MedGen C1832845, MONDO:0010984, OMIM 601067.

Allele frequency attached by ClinVar (database versions not stated): ExAC below 0.00001; gnomAD 0.00002; gnomAD exomes 0.00002; TOPMed 0.00003; ESP Exome Variant Server 0.00016.
gnomAD v4.1: 146 of 1,565,552 alleles (0.0093%); highest among the groups gnomAD compares: Non-Finnish European, 0.012%; 1 homozygote.

Submissions (6):

ClinGen Hearing Loss Variant Curation Expert Panel
Classification: Uncertain significance for Nonsyndromic genetic hearing loss. Last evaluated: 2023-06-26. Review status: reviewed by expert panel. Criteria: Clingen Hl Acmg Specifications Cdh23 Coch Gjb2 Kcnq4 Myo6 Myo7a Slc26a4 Tecta Ush2a V2. Collection method: curation. Allele origin: germline. Inheritance: Autosomal recessive inheritance.
Comment: The c.8083G>A variant in CDH23 is a missense variant predicted to cause substitution of aspartic acid by asparagine at amino acid 2695 (p.Asp2695Asn). The highest population minor allele frequency in gnomAD v2.1.1 is 0.005% (4/74190) in European (non-Finnish) population, which is lower than the ClinGen Hearing Loss VCEP threshold (<0.007]) for PM2_Supporting, meeting this criterion (PM2_Supporting). The computational predictor REVEL gives a score of 0.789, which is above the threshold of 0.7, evidence that correlates with impact to CDH23 function (PP3). This variant has been detected in a total of three individuals with phenotypes consistent with CDH23-related disorders. One individual with hearing loss was compound heterozygous for the variant and a pathogenic variant, however phase was unknown (c.6085C>T p.Arg2029Trp , 0.5 PM3 points, PMID: 35020051). The third individual had hearing loss and retinopathy, which is highly specific for Usher syndrome,, and harbored the c.7225-1G>A variant of uncertain significance in trans (0.25 PM3 points, PP4, PMID: 30081015). This individual also had seizures, developmental delay, and ADHD and a de novo ANKRD11 variant thought to cause these additional features. In summary, this variant has been classified as uncertain significance based on the ACMG/AMP criteria applied, as specified by the ClinGen Hearing Loss VCEP: PM2_Supporting, PP3, PP4, PM3. (VCEP specifications version 2; 06.26.2023).

GeneDx
Classification: Likely pathogenic. Last evaluated: 2026-08-25. Review status: criteria provided, single submitter. Criteria: GeneDx Variant Classification Process June 2021. Collection method: clinical testing. Allele origin: germline. Not counted in ClinVar's aggregate classification.
Comment: Not observed at significant frequency in large population cohorts (gnomAD); In silico analysis supports that this missense variant has a deleterious effect on protein structure/function; This variant is associated with the following publications: (PMID: 30081015, 35020051, 34599366, 39475434)

Blueprint Genetics
Classification: Uncertain significance. Last evaluated: 2024-02-21. Review status: criteria provided, single submitter. Criteria: ACMG Guidelines, 2015. Collection method: clinical testing. Allele origin: germline. Not counted in ClinVar's aggregate classification.

Labcorp Genetics (formerly Invitae), Labcorp
Classification: Uncertain significance. Last evaluated: 2022-07-05. Review status: criteria provided, single submitter. Criteria: Invitae Variant Classification Sherloc (09022015). Collection method: clinical testing. Allele origin: germline. Not counted in ClinVar's aggregate classification.
Comment: This sequence change replaces aspartic acid, which is acidic and polar, with asparagine, which is neutral and polar, at codon 2695 of the CDH23 protein (p.Asp2695Asn). This variant is present in population databases (rs369501114, gnomAD 0.006%). This variant has not been reported in the literature in individuals affected with CDH23-related conditions. ClinVar contains an entry for this variant (Variation ID: 422345). Algorithms developed to predict the effect of missense changes on protein structure and function are either unavailable or do not agree on the potential impact of this missense change (SIFT: "Deleterious"; PolyPhen-2: "Not Available"; Align-GVGD: "Class C0"). In summary, the available evidence is currently insufficient to determine the role of this variant in disease. Therefore, it has been classified as a Variant of Uncertain Significance.

New York Genome Center
Classification: Uncertain significance for Usher syndrome type 1D. Last evaluated: 2021-03-26. Review status: criteria provided, single submitter. Criteria: NYGC Assertion Criteria 2020. Collection method: clinical testing. Allele origin: inherited. Observed: 1 compound heterozygote. Study: CSER-NYCKidSeq. Not counted in ClinVar's aggregate classification.
Comment: The inherited heterozygous c.8083G>A (p.Asp2695Asn) variant identified in exon 57 (of 70) of the CDH23 gene has not been reported in affected individuals in the literature. However, the variant has been reported in the ClinVar database and is classified as a variant of uncertain significance by the ClinGen Hearing Loss Variant Curation Expert Panel [ClinVar variation ID:422345]. The variant has 0.00001972 allele frequency in the gnomAD(v3) database suggesting it is not a common benign allele in the populations represented in that database. The variant affects an evolutionarily conserved reside and is predicted deleterious by multiple in silico tools [CADD score = 34, REVEL score = 0.789]. Functional studies to evaluate the potential pathogenicity of this variant have not been reported in the literature. Due to lack of compelling evidence for its pathogenicity, the inherited heterozygous c.8083G>A (p.Asp2695Asn) variant identified in the CDH23gene is reported as a variant of uncertain significance.

ARUP Laboratories, Molecular Genetics and Genomics, ARUP Laboratories
Classification: Uncertain significance. Last evaluated: 2017-01-13. Review status: criteria provided, single submitter. Criteria: ARUP Molecular Germline Variant Investigation Process. Collection method: clinical testing. Allele origin: germline. Not counted in ClinVar's aggregate classification.